The following is an entry in ClinVar:

NM_014008.5(CCDC22):c.1350G>A (p.Leu450=)

Gene: CCDC22 (CCC complex scaffolding subunit CCDC22; plus strand). Cytogenetic location: Xp11.23.
Variant type: single nucleotide variant.
Coding change: c.1350G>A on transcript NM_014008.5 (MANE Select); coding-DNA position 1350, G replaced by A.
Protein change: p.Leu450=; no amino-acid change (leucine 450 retained).
Molecular consequence: synonymous variant.
Genome position (GRCh38, 1-based): chrX:49,248,653, G>A. VCF-style: chrX-49248653-G-A. GRCh37 (hg19) VCF-style: chrX-49105114-G-A.
Identifiers: ClinVar variation 710391 (VCV000710391.28), dbSNP rs138555929, ClinGen allele CA10411495.

ClinVar aggregate classification (germline): Likely benign. Review status: criteria provided, multiple submitters, no conflicts (2 of 4 stars). 2 submissions from 2 submitters: Likely benign (2). Last evaluated 2022-05-01.

Allele frequency attached by ClinVar (database versions not stated): gnomAD 0.00039 and 0.00040; 1000 Genomes Project 30x 0.00042; TOPMed 0.00048; gnomAD exomes 0.00071 and 0.00030; ESP Exome Variant Server 0.00019; 1000 Genomes Project 0.00026; ExAC 0.00039.
gnomAD v4.1: 816 of 1,208,223 alleles (0.068%); highest among the groups gnomAD compares: Non-Finnish European, 0.087%; no homozygotes.

Submissions (2):

CeGaT Center for Human Genetics Tuebingen
Classification: Likely benign. Last evaluated: 2022-05-01. Review status: criteria provided, single submitter. Criteria: CeGaT Center For Human Genetics Tuebingen Variant Classification Criteria Version 2. Collection method: clinical testing. Allele origin: germline. Affected: yes. Observed: 1 variant allele.
Comment: CCDC22: BP4, BP7

Labcorp Genetics (formerly Invitae), Labcorp
Classification: Likely benign. Last evaluated: 2019-12-31. Review status: criteria provided, single submitter. Criteria: Invitae Variant Classification Sherloc (09022015). Collection method: clinical testing. Allele origin: germline.